The following is an entry in ClinVar:

ClinVar aggregate classification (germline): Uncertain significance (1 of 4 stars; one submission).

Allele frequency attached by ClinVar (database versions not stated): gnomAD exomes below 0.00001; TOPMed below 0.00001.
gnomAD v4.1: 2 of 1,613,004 alleles (0.00012%); highest among the groups gnomAD compares: African/African-American, 0.0013%; no homozygotes.

Submission:

Labcorp Genetics (formerly Invitae), Labcorp
Classification: Uncertain significance. Last evaluated: 2021-08-20. Review status: criteria provided, single submitter. Criteria: Invitae Variant Classification Sherloc (09022015). Collection method: clinical testing. Allele origin: germline.
Comment: This variant is not present in population databases (ExAC no frequency). This sequence change falls in intron 38 of the MYO18B gene. It does not directly change the encoded amino acid sequence of the MYO18B protein. It affects a nucleotide within the consensus splice site of the intron. This variant has not been reported in the literature in individuals affected with MYO18B-related conditions. In summary, the available evidence is currently insufficient to determine the role of this variant in disease. Therefore, it has been classified as a Variant of Uncertain Significance. Variants that disrupt the consensus splice site are a relatively common cause of aberrant splicing (PMID: 17576681, 9536098). Algorithms developed to predict the effect of sequence changes on RNA splicing suggest that this variant may disrupt the consensus splice site.

Literature cited by the submitters: PubMed 17576681; PubMed 9536098.

NM_032608.7(MYO18B):c.5970+3A>G

Gene: MYO18B (myosin XVIIIB; plus strand). Cytogenetic location: 22q12.1.
Variant type: single nucleotide variant.
Coding change: c.5970+3A>G on transcript NM_032608.7 (MANE Select); 3 bases into the intron after coding-DNA position 5970, A replaced by G.
Molecular consequence: intron variant.
Genome position (GRCh38, 1-based): chr22:25,952,426, A>G. VCF-style: chr22-25952426-A-G. GRCh37 (hg19) VCF-style: chr22-26348392-A-G.
Other names: c.5973+3A>G (NM_001318245.2).
Identifiers: ClinVar variation 1388395 (VCV001388395.6), dbSNP rs944680398, ClinGen allele CA322797288.